The following is an entry in ClinVar:

NM_001165963.4(SCN1A):c.4585A>T (p.Lys1529Ter)

Genes: SCN1A (sodium voltage-gated channel alpha subunit 1; minus strand), LOC102724058 (uncharacterized LOC102724058; plus strand). Cytogenetic location: 2q24.3.
Variant type: single nucleotide variant.
Coding change: c.4585A>T on transcript NM_001165963.4 (MANE Select); coding-DNA position 4585, A replaced by T.
Protein change: p.Lys1529Ter; replaces lysine 1529 with a stop codon.
Molecular consequence: nonsense. On other transcripts: non-coding transcript variant (1).
Genome position (GRCh38, 1-based): chr2:165,994,413, T>A on the plus strand (A>T on the coding strand, the complement: SCN1A is on the minus strand). VCF-style: chr2-165994413-T-A. GRCh37 (hg19) VCF-style: chr2-166850923-T-A.
Other names: c.4501A>T, p.Lys1501Ter (NM_001165964.3, NM_001353957.2, NM_001353958.2); c.4585A>T, p.Lys1529Ter (NM_001202435.3, NM_001353948.2); c.4552A>T, p.Lys1518Ter (NM_001353949.2, NM_001353950.2, NM_001353951.2 and 2 more transcripts); c.4549A>T, p.Lys1517Ter (NM_001353954.2, NM_001353955.2); c.4498A>T, p.Lys1500Ter (NM_001353960.2); c.2143A>T, p.Lys715Ter (NM_001353961.2); short protein forms K1500*, K1501*, K1517*, K1518*, K1529*, K715*.
Identifiers: ClinVar variation 1705422 (VCV001705422.1), dbSNP rs1553521087, ClinGen allele CA349072378.

ClinVar aggregate classification (germline): Likely pathogenic (1 of 4 stars; one submission).

Conditions:
Severe myoclonic epilepsy in infancy (DRVT). Also called: Epileptic encephalopathy, early infantile, 6 (Dravet syndrome); SEVERE MYOCLONIC EPILEPSY OF INFANCY; DEVELOPMENTAL AND EPILEPTIC ENCEPHALOPATHY 6A; Severe Myoclonic Epilepsy in Infancy (SMEI); Dravet syndrome. Identifiers: Orphanet 33069, MedGen C0751122, MONDO:0100135, OMIM 607208.

Submission:

3billion
Classification: Likely pathogenic for Severe myoclonic epilepsy in infancy. Last evaluated: 2022-09-01. Review status: criteria provided, single submitter. Criteria: ACMG Guidelines, 2015. Collection method: clinical testing. Allele origin: germline. Affected: yes. Observed: 1 heterozygote.
Comment: The variant is not observed in the gnomAD v2.1.1 dataset. Stop-gained (nonsense) is predicted to result in a loss or disruption of normal protein function through nonsense-mediated decay (NMD) or protein truncation. Multiple pathogenic variants are reported downstream of the variant. Therefore, this variant is classified as Likely pathogenic according to the recommendation of ACMG/AMP guideline.